The following is an entry in ClinVar:

NM_178844.4(NLRC3):c.67G>A (p.Glu23Lys)

Gene: NLRC3 (NLR family CARD domain containing 3; minus strand). Cytogenetic location: 16p13.3.
Variant type: single nucleotide variant.
Coding change: c.67G>A on transcript NM_178844.4 (MANE Select); coding-DNA position 67, G replaced by A.
Protein change: p.Glu23Lys; replaces glutamic acid 23 with lysine.
Molecular consequence: missense variant. On other transcripts: non-coding transcript variant (1).
Genome position (GRCh38, 1-based): chr16:3,564,970, C>T on the plus strand (G>A on the coding strand, the complement: NLRC3 is on the minus strand). VCF-style: chr16-3564970-C-T. GRCh37 (hg19) VCF-style: chr16-3614971-C-T.
Other names: short protein forms E23K.
Identifiers: ClinVar variation 103377 (VCV000103377.2), dbSNP rs199475933, ClinGen allele CA230491.

ClinVar aggregate classification (germline): not provided (0 of 4 stars; one submission).

Allele frequency attached by ClinVar (database versions not stated): gnomAD exomes 0.00014 and 0.00021; ExAC 0.00021; ESP Exome Variant Server 0.00041; 1000 Genomes Project 0.00060; gnomAD 0.00072 and 0.00079; 1000 Genomes Project 30x 0.00094; TOPMed 0.00105.
gnomAD v4.1: 323 of 1,610,576 alleles (0.02%); highest among the groups gnomAD compares: African/African-American, 0.29%; 2 homozygotes.

Submission:

Human Evolutionary Genetics, Institut Pasteur
No classification provided. Review status: no classification provided. Collection method: not provided. Allele origin: germline.
ClinVar note: Converted during submission from untested to not provided.